The following is an entry in ClinVar:

ClinVar aggregate classification (germline): Uncertain significance. Review status: criteria provided, multiple submitters, no conflicts (2 of 4 stars). 2 submissions from 2 submitters: Uncertain significance (2). Last evaluated 2025-07-20.

Conditions:
Familial adenomatous polyposis 1 (FAP1). Also called: FAMILIAL ADENOMATOUS POLYPOSIS 1, ATTENUATED; POLYPOSIS, ADENOMATOUS INTESTINAL. Identifiers: MedGen C2713442, MONDO:0021056, OMIM 175100. Disease mechanism: loss of function.
Hereditary cancer-predisposing syndrome. Also called: Hereditary neoplastic syndrome; Hereditary Cancer Syndrome; Tumor predisposition; Neoplastic Syndromes, Hereditary. Identifiers: Orphanet 140162, MedGen C0027672, MeSH D009386, MONDO:0015356.

Submissions (2):

Labcorp Genetics (formerly Invitae), Labcorp
Classification: Uncertain significance for Familial adenomatous polyposis 1. Last evaluated: 2025-07-20. Review status: criteria provided, single submitter. Criteria: Invitae Variant Classification Sherloc (09022015). Collection method: clinical testing. Allele origin: germline.
Comment: This sequence change replaces aspartic acid, which is acidic and polar, with tyrosine, which is neutral and polar, at codon 1519 of the APC protein (p.Asp1519Tyr). This variant is not present in population databases (gnomAD no frequency). This variant has not been reported in the literature in individuals affected with APC-related conditions. ClinVar contains an entry for this variant (Variation ID: 1522262). Invitae Evidence Modeling of protein sequence and biophysical properties (such as structural, functional, and spatial information, amino acid conservation, physicochemical variation, residue mobility, and thermodynamic stability) indicates that this missense variant is not expected to disrupt APC protein function with a negative predictive value of 95%. In summary, the available evidence is currently insufficient to determine the role of this variant in disease. Therefore, it has been classified as a Variant of Uncertain Significance.

Color Diagnostics, LLC DBA Color Health
Classification: Uncertain significance for Hereditary cancer-predisposing syndrome. Last evaluated: 2024-03-06. Review status: criteria provided, single submitter. Criteria: ACMG Guidelines, 2015. Collection method: clinical testing. Allele origin: germline.
Comment: This missense variant replaces aspartic acid with tyrosine at codon 1519 of the APC protein. Computational prediction is inconclusive regarding the impact of this variant on protein structure and function (internally defined REVEL score threshold 0.5 < inconclusive < 0.7, PMID: 27666373). To our knowledge, functional studies have not been reported for this variant. This variant has not been reported in individuals affected with hereditary cancer in the literature. This variant has not been identified in the general population by the Genome Aggregation Database (gnomAD). The available evidence is insufficient to determine the role of this variant in disease conclusively. Therefore, this variant is classified as a Variant of Uncertain Significance.

NM_000038.6(APC):c.4555G>T (p.Asp1519Tyr)

Gene: APC (APC regulator of Wnt signaling pathway; plus strand). Cytogenetic location: 5q22.2.
Variant type: single nucleotide variant.
Coding change: c.4555G>T on transcript NM_000038.6 (MANE Select); coding-DNA position 4555, G replaced by T.
Protein change: p.Asp1519Tyr; replaces aspartic acid 1519 with tyrosine.
Molecular consequence: missense variant.
Genome position (GRCh38, 1-based): chr5:112,840,149, G>T. VCF-style: chr5-112840149-G-T. GRCh37 (hg19) VCF-style: chr5-112175846-G-T.
Other names: c.4555G>T, p.Asp1519Tyr (NM_001127510.3, NM_001354895.2); c.4501G>T, p.Asp1501Tyr (NM_001127511.3); c.4609G>T, p.Asp1537Tyr (NM_001354896.2); c.4585G>T, p.Asp1529Tyr (NM_001354897.2); c.4480G>T, p.Asp1494Tyr (NM_001354898.2); c.4471G>T, p.Asp1491Tyr (NM_001354899.2); c.4432G>T, p.Asp1478Tyr (NM_001354900.2); c.4378G>T, p.Asp1460Tyr (NM_001354901.2); and 5 more; short protein forms D1393Y, D1529Y, D1359Y, D1494Y, D1418Y, D1478Y, D1537Y, D1236Y.
Identifiers: ClinVar variation 1522262 (VCV001522262.8), dbSNP rs2149917464, ClinGen allele CA16031303.
Genomic context (GRCh38, chr5:112,840,149, plus strand): 5'-GGATTTTCTTGTTCATCCAGCCTGAGTGCTCTGAGCCTCGATGAGCCATTTATACAGAAA[G>T]ATGTGGAATTAAGAATAATGCCTCCAGTTCAGGAAAATGACAATGGGAATGAAACAGAAT-3'
Protein context (NP_000029.2, residues 1509-1529): LSLDEPFIQK[Asp1519Tyr]VELRIMPPVQ